The following is an entry in ClinVar:

ClinVar aggregate classification (germline): Likely benign. Review status: criteria provided, multiple submitters, no conflicts (2 of 4 stars). 3 submissions from 3 submitters: Likely benign (2). 1 of the submissions does not count toward it. Last evaluated 2025-04-29.

Conditions:
ABCB6-related disorder. Also called: ABCB6-related condition.

Allele frequency attached by ClinVar (database versions not stated): gnomAD exomes 0.00018 and 0.00041; ExAC 0.00042; ESP Exome Variant Server 0.00085; gnomAD 0.00121 and 0.00125; TOPMed 0.00130; 1000 Genomes Project 30x 0.00141; 1000 Genomes Project 0.00160.
gnomAD v4.1: 476 of 1,614,070 alleles (0.029%); highest among the groups gnomAD compares: African/African-American, 0.47%; 1 homozygote.

Submissions (4):

Labcorp Genetics (formerly Invitae), Labcorp
Classification: Likely benign. Last evaluated: 2025-04-29. Review status: criteria provided, single submitter. Criteria: Invitae Variant Classification Sherloc (09022015). Collection method: clinical testing. Allele origin: germline.

Blueprint Genetics
Classification: Likely benign. Last evaluated: 2024-11-19. Review status: criteria provided, single submitter. Criteria: ACMG Guidelines, 2015. Collection method: clinical testing. Allele origin: germline.

PreventionGenetics, part of Exact Sciences
Classification: Likely benign for ABCB6-related condition. Last evaluated: 2023-06-01. Review status: no assertion criteria provided. Collection method: clinical testing. Allele origin: germline. Not counted in ClinVar's aggregate classification.
Comment: This variant is classified as likely benign based on ACMG/AMP sequence variant interpretation guidelines (Richards et al. 2015 PMID: 25741868, with internal and published modifications).

Dr. Peter K. Rogan Lab, Western University
No classification provided (evidence only). Condition: Malignant tumor of urinary bladder. Review status: no classification provided. Collection method: in vitro. Allele origin: not applicable. Functional consequence: retained intron. Not counted in ClinVar's aggregate classification.

NM_005689.4(ABCB6):c.1273C>G (p.Leu425Val)

Gene: ABCB6 (ATP binding cassette subfamily B member 6 (LAN blood group); minus strand). Cytogenetic location: 2q35.
Variant type: single nucleotide variant.
Coding change: c.1273C>G on transcript NM_005689.4 (MANE Select); coding-DNA position 1273, C replaced by G.
Protein change: p.Leu425Val; replaces leucine 425 with valine.
Molecular consequence: missense variant.
Genome position (GRCh38, 1-based): chr2:219,214,964, G>C on the plus strand (C>G on the coding strand, the complement: ABCB6 is on the minus strand). VCF-style: chr2-219214964-G-C. GRCh37 (hg19) VCF-style: chr2-220079686-G-C.
Other names: c.1135C>G, p.Leu379Val (NM_001349828.2); short protein forms L379V, L425V.
Identifiers: ClinVar variation 746282 (VCV000746282.12), dbSNP rs111852229, ClinGen allele CA2119480.